The following is an entry in ClinVar:

ClinVar aggregate classification (germline): Pathogenic (1 of 4 stars; one submission).

Conditions:
Hereditary breast ovarian cancer syndrome. Also called: Hereditary breast and ovarian cancer; BRCA1- and BRCA2-Associated Hereditary Breast and Ovarian Cancer; Hereditary breast and ovarian cancer syndrome; Breast and ovarian cancer; Hereditary breast and ovarian cancer syndrome (HBOC); Hereditary breast and/or ovarian cancer syndrome. Identifiers: Orphanet 145, MedGen C0677776, MeSH D061325, MONDO:0003582. Disease mechanism: loss of function.

Submission:

Labcorp Genetics (formerly Invitae), Labcorp
Classification: Pathogenic for Hereditary breast ovarian cancer syndrome. Last evaluated: 2022-11-23. Review status: criteria provided, single submitter. Criteria: Invitae Variant Classification Sherloc (09022015). Collection method: clinical testing. Allele origin: germline.
Comment: This sequence change creates a premature translational stop signal (p.Ser217*) in the BRCA2 gene. It is expected to result in an absent or disrupted protein product. Loss-of-function variants in BRCA2 are known to be pathogenic (PMID: 20104584). This variant is not present in population databases (gnomAD no frequency). This variant has not been reported in the literature in individuals affected with BRCA2-related conditions. For these reasons, this variant has been classified as Pathogenic.

Literature cited by the submitters: PubMed 20104584.

NM_000059.4(BRCA2):c.650_651del (p.Ala216_Ser217insTer)

Gene: BRCA2 (BRCA2 DNA repair associated; plus strand). Cytogenetic location: 13q13.1.
Variant type: Deletion.
Coding change: c.650_651del on transcript NM_000059.4 (MANE Select); coding-DNA positions 650 to 651, 2 bases deleted (CT; older notation c.650_651delCT).
Protein change: p.Ala216_Ser217insTer.
Molecular consequence: nonsense. On other transcripts: non-coding transcript variant (1).
Genome position (GRCh38, 1-based): chr13:32,329,461-32,329,462, CT deleted; deleting any 2 consecutive bases within chr13:32,329,460-32,329,462 gives the same sequence; the c. name uses the placement nearest the transcript's 3' end. VCF-style (leftmost placement, unchanged base first): chr13-32329459-ATC-A. GRCh37 (hg19) VCF-style: chr13-32903596-ATC-A.
Other names: c.650_651del, p.Ala216_Ser217insTer (NM_001406719.1, NM_001406720.1, NM_001406721.1); c.281_282del, p.Ala93_Ser94insTer (NM_001406722.1).
Identifiers: ClinVar variation 2816080 (VCV002816080.3), dbSNP rs2548516994, ClinGen allele CA2739277530.